The following is an entry in ClinVar:

ClinVar aggregate classification (germline): Likely benign. Review status: reviewed by expert panel (3 of 4 stars). 3 submissions from 3 submitters: Likely benign (1). 2 of the submissions do not count toward it. Last evaluated 2017-06-29.

Conditions:
Breast-ovarian cancer, familial, susceptibility to, 1 (BROVCA1). Also called: BRCA1 Hereditary Breast and Ovarian Cancer; OVARIAN CANCER, SUSCEPTIBILITY TO. Identifiers: Orphanet 145, MedGen C2676676, MONDO:0011450, OMIM 604370. Disease mechanism: loss of function.
Hereditary breast ovarian cancer syndrome. Also called: Breast and ovarian cancer; Hereditary breast and ovarian cancer; Hereditary breast and ovarian cancer syndrome; Hereditary breast and/or ovarian cancer syndrome; BRCA1- and BRCA2-Associated Hereditary Breast and Ovarian Cancer; Hereditary breast and ovarian cancer syndrome (HBOC). Identifiers: Orphanet 145, MedGen C0677776, MeSH D061325, MONDO:0003582. Disease mechanism: loss of function.
Hereditary cancer-predisposing syndrome. Also called: Tumor predisposition; Hereditary Cancer Syndrome; Neoplastic Syndromes, Hereditary; Hereditary neoplastic syndrome. Identifiers: Orphanet 140162, MedGen C0027672, MeSH D009386, MONDO:0015356.

Allele frequency attached by ClinVar (database versions not stated): gnomAD exomes below 0.00001.
gnomAD v4.1: 1 of 1,614,016 alleles (0.000062%); highest among the groups gnomAD compares: Non-Finnish European, 0.000085%; no homozygotes.

Submissions (3):

Evidence-based Network for the Interpretation of Germline Mutant Alleles (ENIGMA)
Classification: Likely benign for Breast-ovarian cancer, familial, susceptibility to, 1. Last evaluated: 2017-06-29. Review status: reviewed by expert panel. Criteria: ENIGMA BRCA1/2 Classification Criteria (2017-06-29). Collection method: curation. Allele origin: germline.
Comment: Synonymous substitution variant, with low bioinformatic likelihood to result in a splicing aberration (Splicing prior probability 0.02).

Labcorp Genetics (formerly Invitae), Labcorp
Classification: Likely benign for Hereditary breast ovarian cancer syndrome. Last evaluated: 2024-08-13. Review status: criteria provided, single submitter. Criteria: Invitae Variant Classification Sherloc (09022015). Collection method: clinical testing. Allele origin: germline. Not counted in ClinVar's aggregate classification.

Ambry Genetics
Classification: Likely benign for Hereditary cancer-predisposing syndrome. Last evaluated: 2015-01-22. Review status: criteria provided, single submitter. Criteria: Ambry Variant Classification Scheme 2023. Collection method: clinical testing. Allele origin: germline. Not counted in ClinVar's aggregate classification.

NM_007294.4(BRCA1):c.1632A>G (p.Gln544=)

Gene: BRCA1 (BRCA1 DNA repair associated; minus strand). Cytogenetic location: 17q21.31.
Variant type: single nucleotide variant.
Coding change: c.1632A>G on transcript NM_007294.4 (MANE Select); coding-DNA position 1632, A replaced by G.
Protein change: p.Gln544=; no amino-acid change (glutamine 544 retained).
Molecular consequence: synonymous variant. On other transcripts: intron variant (137).
Genome position (GRCh38, 1-based): chr17:43,093,899, T>C on the plus strand (A>G on the coding strand, the complement: BRCA1 is on the minus strand). VCF-style: chr17-43093899-T-C. GRCh37 (hg19) VCF-style: chr17-41245916-T-C.
Other names: c.646+845A>G (NM_001408457.1, NM_001408460.1, NM_001408454.1 and 11 more transcripts); c.520+845A>G (NM_001408505.1, NM_001408504.1, NM_001408503.1); c.460+1947A>G (NM_001408507.1, NM_001408506.1); c.545-2867A>G (NM_001408495.1); c.661+845A>G (NM_001408448.1, NM_001408445.1, NM_001408432.1 and 6 more transcripts); c.667+1947A>G (NM_001408421.1, NM_001408431.1, NM_001408424.1); c.784+845A>G (NM_001407991.1, NM_001408407.1, NM_001408402.1 and 13 more transcripts); c.664+845A>G (NM_001408427.1, NM_001408443.1, NM_001408439.1 and 12 more transcripts); and 40 more.
Identifiers: ClinVar variation 230123 (VCV000230123.10), dbSNP rs876658401, ClinGen allele CA10580660.